The following is an entry in ClinVar:

NM_173354.5(SIK1):c.1981C>T (p.Leu661Phe)

Gene: SIK1 (salt inducible kinase 1; minus strand). Cytogenetic location: 21q22.3.
Variant type: single nucleotide variant.
Coding change: c.1981C>T on transcript NM_173354.5 (MANE Select); coding-DNA position 1981, C replaced by T.
Protein change: p.Leu661Phe; replaces leucine 661 with phenylalanine.
Molecular consequence: missense variant.
Genome position (GRCh38, 1-based): chr21:43,417,113, G>A on the plus strand (C>T on the coding strand, the complement: SIK1 is on the minus strand). VCF-style: chr21-43417113-G-A. GRCh37 (hg19) VCF-style: chr21-44836993-G-A.
Other names: short protein forms L661F.
Identifiers: ClinVar variation 1498930 (VCV001498930.8), dbSNP rs2146468156, ClinGen allele CA410606894.

ClinVar aggregate classification (germline): Uncertain significance (1 of 4 stars; one submission).

Conditions:
Developmental and epileptic encephalopathy, 30 (DEE30). Also called: Epileptic encephalopathy, early infantile, 30. Identifiers: MedGen C4225360, MONDO:0014595, OMIM 616341.

Submission:

Labcorp Genetics (formerly Invitae), Labcorp
Classification: Uncertain significance for Developmental and epileptic encephalopathy, 30. Last evaluated: 2021-07-21. Review status: criteria provided, single submitter. Criteria: Invitae Variant Classification Sherloc (09022015). Collection method: clinical testing. Allele origin: germline.
Comment: In summary, the available evidence is currently insufficient to determine the role of this variant in disease. Therefore, it has been classified as a Variant of Uncertain Significance. Advanced modeling of protein sequence and biophysical properties (such as structural, functional, and spatial information, amino acid conservation, physicochemical variation, residue mobility, and thermodynamic stability) performed at Invitae indicates that this missense variant is not expected to disrupt SIK1 protein function. This variant has not been reported in the literature in individuals with SIK1-related conditions. The frequency data for this variant in the population databases is considered unreliable, as metrics indicate insufficient coverage at this position in the ExAC database. This sequence change replaces leucine with phenylalanine at codon 661 of the SIK1 protein (p.Leu661Phe). The leucine residue is highly conserved and there is a small physicochemical difference between leucine and phenylalanine.